The following is an entry in ClinVar:

ClinVar aggregate classification (germline): Pathogenic (0 of 4 stars; one submission).

Conditions:
Pyruvate dehydrogenase E1-alpha deficiency (PDHAD). Also called: ATAXIA, INTERMITTENT, WITH PYRUVATE DEHYDROGENASE DEFICIENCY; ATAXIA WITH LACTIC ACIDOSIS I; ATAXIA, INTERMITTENT, WITH ABNORMAL PYRUVATE METABOLISM; Ataxia, intermittent, with pyruvate dehydrogenase, or decarboxylase, deficiency. Identifiers: Orphanet 79243, MedGen C1839413, MONDO:0010717, OMIM 312170.

Submission:

PDHA1 Study Group, University Children’s Hospital, Paracelsus Medical University
Classification: Pathogenic for Pyruvate dehydrogenase E1-alpha deficiency. Last evaluated: 2024-10-15. Review status: no assertion criteria provided. Collection method: research. Allele origin: de novo. Affected: yes. Observed: 1 variant allele.
Comment: The NM_000284.3:c.1064_1065insTAAG (p.Asp356LysfsTer4) change is a frameshift variant in PDHA1 gene. This variant is predicted to escape nonsense-mediated decay (NMD). Among them, 1 case had confirmed de novo occurrence. Last literature search: July 12, 2024. This variant is absent or extremely rare in population-based cohorts in the Genome Aggregation Database (gnomAD). Individuals harboring this variant presented with clinical features compatible with PDHA1-related PDHc deficiency. In summary, this variant meets criteria to be classified as pathogenic (P) for PDHA1-related PDHc deficiency based on the ACMG/AMP criteria applied: PVS1, PM2 (last assessment October 15, 2024).

Literature cited by the submitters: DOI 10.1093/brain/awaf430.

NM_000284.4(PDHA1):c.1064_1065insTAAG (p.Asp356fs)

Gene: PDHA1 (pyruvate dehydrogenase E1 subunit alpha 1; plus strand). Cytogenetic location: Xp22.12.
Variant type: Insertion.
Coding change: c.1064_1065insTAAG on transcript NM_000284.4 (MANE Select); coding-DNA positions 1064 to 1065, TAAG inserted.
Protein change: p.Asp356fs; shifts the reading frame from aspartic acid 356.
Molecular consequence: frameshift variant.
Genome position: GRCh38 VCF-style: chrX-19359544-C-CTAAG. GRCh37 (hg19) VCF-style: chrX-19377662-C-CTAAG.
Other names: c.1178_1179insTAAG, p.Asp394fs (NM_001173454.2); c.1085_1086insTAAG, p.Asp363fs (NM_001173455.2); c.971_972insTAAG, p.Asp325fs (NM_001173456.2); short protein forms D325fs, D356fs, D363fs, D394fs.
Identifiers: ClinVar variation 4070438 (VCV004070438.1).